The following is an entry in ClinVar:

ClinVar aggregate classification (germline): Likely pathogenic (1 of 4 stars; one submission).

gnomAD v4.1: 1 of 1,604,228 alleles (0.000062%); highest among the groups gnomAD compares: Non-Finnish European, 0.000085%; no homozygotes.

Submission:

Dasa
Classification: Likely pathogenic. Last evaluated: 2024-06-25. Review status: criteria provided, single submitter. Criteria: DASA Assertion Criteria. Collection method: clinical testing. Allele origin: germline.
Comment: NM_020944.3(GBA2):c.2313+1G>A affects a canonical splice site and is predicted to disrupt normal RNA splicing. Loss of function is an established disease mechanism for GBA2-associated disorders. Also, this variant is rare in population databases. Based on the currently available evidence, this variant is classified as likely pathogenic.

NM_020944.3(GBA2):c.2313+1G>A

Gene: GBA2 (glucosylceramidase beta 2; minus strand). Cytogenetic location: 9p13.3.
Variant type: single nucleotide variant.
Coding change: c.2313+1G>A on transcript NM_020944.3 (MANE Select); the canonical splice donor site of the intron after coding-DNA position 2313, G replaced by A.
Molecular consequence: splice donor variant.
Genome position (GRCh38, 1-based): chr9:35,738,036, C>T on the plus strand (G>A on the coding strand, the complement: GBA2 is on the minus strand). VCF-style: chr9-35738036-C-T. GRCh37 (hg19) VCF-style: chr9-35738033-C-T.
Other names: c.2313+1G>A (NM_001330660.2).
Identifiers: ClinVar variation 4881537 (VCV004881537.2).